The following is an entry in ClinVar:

NM_080680.3(COL11A2):c.1980del (p.Gln663fs)

Gene: COL11A2 (collagen type XI alpha 2 chain; minus strand). Cytogenetic location: 6p21.32.
Variant type: Deletion.
Coding change: c.1980del on transcript NM_080680.3 (MANE Select); coding-DNA position 1980, one base deleted (C; older notation c.1980delC).
Protein change: p.Gln663fs; shifts the reading frame from glutamine 663.
Molecular consequence: frameshift variant. On other transcripts: 5 prime UTR variant (1).
Genome position (GRCh38, 1-based): chr6:33,177,217, G deleted on the plus strand (C on the coding strand, the reverse complement: COL11A2 is on the minus strand); the first of 3 consecutive G bases (chr6:33,177,217-33,177,219); deleting any one gives the same sequence. VCF-style (leftmost placement, unchanged base first): chr6-33177216-CG-C. GRCh37 (hg19) VCF-style: chr6-33144993-CG-C.
Other names: c.1800del, p.Gln603fs (NM_001424108.1); c.1134del, p.Gln381fs (NM_001424109.1); c.954del, p.Gln321fs (NM_001424110.1, NM_001424111.1); c.-67del (NM_001424112.1); c.1659del, p.Gln556fs (NM_080679.3); c.1722del, p.Gln577fs (NM_080681.3); short protein forms Q321fs, Q577fs, Q663fs, Q556fs, Q603fs, Q381fs.
Identifiers: ClinVar variation 4726811 (VCV004726811.1).

ClinVar aggregate classification (germline): Pathogenic (1 of 4 stars; one submission).

Submission:

Labcorp Genetics (formerly Invitae), Labcorp
Classification: Pathogenic. Last evaluated: 2025-09-08. Review status: criteria provided, single submitter. Criteria: Invitae Variant Classification Sherloc (09022015). Collection method: clinical testing. Allele origin: germline.
Comment: This sequence change creates a premature translational stop signal (p.Gln663Argfs*52) in the COL11A2 gene. It is expected to result in an absent or disrupted protein product. Loss-of-function variants in COL11A2 are known to be pathogenic (PMID: 10677296, 21204229). This variant is not present in population databases (gnomAD no frequency). This variant has not been reported in the literature in individuals affected with COL11A2-related conditions. For these reasons, this variant has been classified as Pathogenic.

Literature cited by the submitters: PubMed 10677296; PubMed 21204229.